The following is an entry in ClinVar:

NM_031885.5(BBS2):c.2144G>A (p.Arg715Gln)

Gene: BBS2 (Bardet-Biedl syndrome 2; minus strand). Cytogenetic location: 16q13.
Variant type: single nucleotide variant.
Coding change: c.2144G>A on transcript NM_031885.5 (MANE Select); coding-DNA position 2144, G replaced by A.
Protein change: p.Arg715Gln; replaces arginine 715 with glutamine.
Molecular consequence: missense variant. On other transcripts: non-coding transcript variant (5).
Genome position (GRCh38, 1-based): chr16:56,484,783, C>T on the plus strand (G>A on the coding strand, the complement: BBS2 is on the minus strand). VCF-style: chr16-56484783-C-T. GRCh37 (hg19) VCF-style: chr16-56518695-C-T.
Other names: c.2144G>A (NM_031885.3); c.2144G>A, p.Arg715Gln (NM_001377456.1); short protein forms R715Q.
Identifiers: ClinVar variation 1195901 (VCV001195901.8), dbSNP rs761068592, ClinGen allele CA8065514.
Genomic context (GRCh38, chr16:56,484,783, plus strand): 5'-ATCTTTGCCAGGAACTTCATGACCTGTATTTTCCTCACCTAGGAAGAAGCTGTCCCCACT[C>T]GCATGATTTTGAACAGTGTGTTGATGTTATTGCTTCGAATTGCATCCCGACAAGCAGTGA-3'
Protein context (NP_114091.4, residues 705-721): NNINTLFKIM[Arg715Gln]VGTASS

ClinVar aggregate classification (germline): Uncertain significance. Review status: criteria provided, multiple submitters, no conflicts (2 of 4 stars). 5 submissions from 4 submitters: Uncertain significance (5). Last evaluated 2026-05-05.

Conditions:
Retinitis pigmentosa 74 (RP74). Identifiers: Orphanet 791, MedGen C4225281, MONDO:0014692, OMIM 616562.
Bardet-Biedl syndrome (BBS). Identifiers: Orphanet 110, MedGen C0752166, MONDO:0015229.
Bardet-Biedl syndrome 2 (BBS2). Identifiers: Orphanet 110, MedGen C2936863, MONDO:0014432, OMIM 615981.
BBS2-related disorder. Also called: BBS2-related condition; BBS2-related disorders. Identifiers: MedGen CN239228.

Allele frequency attached by ClinVar (database versions not stated): gnomAD exomes 0.00002; ExAC 0.00003.
gnomAD v4.1: 21 of 1,613,738 alleles (0.0013%); highest among the groups gnomAD compares: Middle Eastern, 0.016%; 1 homozygote.

Submissions (5):

PreventionGenetics, part of Exact Sciences
Classification: Uncertain significance for BBS2-related condition. Last evaluated: 2026-05-05. Review status: criteria provided, single submitter. Criteria: ACMG Guidelines, 2015. Collection method: clinical testing. Allele origin: germline.
Comment: The BBS2 c.2144G>A variant is predicted to result in the amino acid substitution p.Arg715Gln. This variant has been reported in one individual with Bardet-Biedl syndrome; however, a second BBS2 variant was not identified (Esposito et al. 2017. PubMed ID: 28143435). This variant is reported in 0.0098% of alleles in individuals of South Asian descent in gnomAD. At this time, the clinical significance of this variant is uncertain due to the absence of conclusive functional and genetic evidence.

Labcorp Genetics (formerly Invitae), Labcorp
Classification: Uncertain significance for Bardet-Biedl syndrome. Last evaluated: 2024-10-24. Review status: criteria provided, single submitter. Criteria: Invitae Variant Classification Sherloc (09022015). Collection method: clinical testing. Allele origin: germline.
Comment: This sequence change replaces arginine, which is basic and polar, with glutamine, which is neutral and polar, at codon 715 of the BBS2 protein (p.Arg715Gln). This variant is present in population databases (rs761068592, gnomAD 0.01%). This missense change has been observed in individual(s) with clinical features of Bardet-Biedl syndrome (PMID: 28143435). ClinVar contains an entry for this variant (Variation ID: 1195901). Invitae Evidence Modeling of protein sequence and biophysical properties (such as structural, functional, and spatial information, amino acid conservation, physicochemical variation, residue mobility, and thermodynamic stability) indicates that this missense variant is not expected to disrupt BBS2 protein function with a negative predictive value of 80%. In summary, the available evidence is currently insufficient to determine the role of this variant in disease. Therefore, it has been classified as a Variant of Uncertain Significance.

Blueprint Genetics
Classification: Uncertain significance. Last evaluated: 2024-03-27. Review status: criteria provided, single submitter. Criteria: ACMG Guidelines, 2015. Collection method: clinical testing. Allele origin: germline.

Genome-Nilou Lab
Classification: Uncertain significance for Bardet-Biedl syndrome 2. Last evaluated: 2021-07-14. Review status: criteria provided, single submitter. Criteria: ACMG Guidelines, 2015. Collection method: clinical testing. Allele origin: germline. Affected: no.

Genome-Nilou Lab
Classification: Uncertain significance for Retinitis pigmentosa 74. Last evaluated: 2021-07-14. Review status: criteria provided, single submitter. Criteria: ACMG Guidelines, 2015. Collection method: clinical testing. Allele origin: germline. Affected: no.

Literature cited by the submitters: PubMed 28143435 (cited by Labcorp Genetics (formerly Invitae), Labcorp).